The following is an entry in ClinVar:

ClinVar aggregate classification (germline): Uncertain significance. Review status: criteria provided, multiple submitters, no conflicts (2 of 4 stars). 3 submissions from 3 submitters: Uncertain significance (3). Last evaluated 2025-06-25.

Conditions:
TTN-related disorder. Also called: TTN-related disorders; TTN-related condition; TTN-related disease.

Allele frequency attached by ClinVar (database versions not stated): gnomAD 0.00001; gnomAD exomes 0.00001 and 0.00002; ExAC 0.00002; TOPMed 0.00002.
gnomAD v4.1: 21 of 1,613,788 alleles (0.0013%); highest among the groups gnomAD compares: Middle Eastern, 0.033%; no homozygotes.

Submissions (3):

PreventionGenetics, part of Exact Sciences
Classification: Uncertain significance for TTN-related condition. Last evaluated: 2025-06-25. Review status: criteria provided, single submitter. Criteria: ACMG Guidelines, 2015. Collection method: clinical testing. Allele origin: germline.
Comment: The TTN c.105583G>A variant is predicted to result in the amino acid substitution p.Asp35195Asn. To our knowledge, this variant has not been reported in the literature. This variant is reported in 0.0033% of alleles in individuals of South Asian descent in gnomAD. At this time, the clinical significance of this variant is uncertain due to the absence of conclusive functional and genetic evidence.

GeneDx
Classification: Uncertain significance. Last evaluated: 2024-06-03. Review status: criteria provided, single submitter. Criteria: GeneDx Variant Classification Process June 2021. Collection method: clinical testing. Allele origin: germline. Affected: yes.
Comment: Not observed at significant frequency in large population cohorts (gnomAD); Missense variant in a gene in which most reported pathogenic variants are truncating/loss-of-function; Reported in a patient with suspected Stargardt-type macular dystrophy who harbored additional variants in other genes (PMID: 38272031); This variant is associated with the following publications: (PMID: 38272031)

CeGaT Center for Human Genetics Tuebingen
Classification: Uncertain significance. Last evaluated: 2023-04-01. Review status: criteria provided, single submitter. Criteria: CeGaT Center For Human Genetics Tuebingen Variant Classification Criteria Version 2. Collection method: clinical testing. Allele origin: germline. Affected: yes. Observed: 1 variant allele.

NM_001267550.2(TTN):c.105583G>A (p.Asp35195Asn)

Genes: TTN (titin; minus strand), TTN-AS1 (TTN antisense RNA 1; plus strand), LOC129935183 (ATAC-STARR-seq lymphoblastoid active region 16808; plus strand). Cytogenetic location: 2q31.2.
Variant type: single nucleotide variant.
Coding change: c.105583G>A on transcript NM_001267550.2 (MANE Select); coding-DNA position 105583, G replaced by A.
Protein change: p.Asp35195Asn; replaces aspartic acid 35195 with asparagine.
Molecular consequence: missense variant.
Genome position (GRCh38, 1-based): chr2:178,531,032, C>T on the plus strand (G>A on the coding strand, the complement: TTN is on the minus strand). VCF-style: chr2-178531032-C-T. GRCh37 (hg19) VCF-style: chr2-179395759-C-T.
Other names: c.105583G>A (NM_001267550.1); c.100660G>A, p.Asp33554Asn (NM_001256850.1); c.78388G>A, p.Asp26130Asn (NM_003319.4); c.97879G>A, p.Asp32627Asn (NM_133378.4); c.78763G>A, p.Asp26255Asn (NM_133432.3); c.78964G>A, p.Asp26322Asn (NM_133437.4); short protein forms D26130N, D26255N, D26322N, D32627N, D33554N, D35195N.
Identifiers: ClinVar variation 1311413 (VCV001311413.27), dbSNP rs752458663, ClinGen allele CA1985233.
Genomic context (GRCh38, chr2:178,531,032, plus strand): 5'-TGAACTCTGCTTCTTGTTTCCCTTCACTGTTTTCTACCACCACGCTGTAATTGCCCTCAT[C>T]GGAAGCCTGGACTGAAGAGATCTCAAAGGTTGATTTGTACTTTGTGGTGGTCACTTGGTG-3'
Protein context (NP_001254479.2, residues 35185-35205): TFEISSVQAS[Asp35195Asn]EGNYSVVVEN